The following is an entry in ClinVar:

ClinVar aggregate classification (germline): Benign. Review status: criteria provided, multiple submitters, no conflicts (2 of 4 stars). 3 submissions from 3 submitters: Benign (3). Last evaluated 2026-01-06.

Conditions:
Meier-Gorlin syndrome 5 (MGORS5). Identifiers: Orphanet 2554, MedGen C3151126, MONDO:0013432, OMIM 613805.

Allele frequency attached by ClinVar (database versions not stated): gnomAD 0.00003 and 0.00111; TOPMed 0.00019; gnomAD exomes 0.00161 and 0.00341; ExAC 0.00362; 1000 Genomes Project 30x 0.00750; 1000 Genomes Project 0.00799.
gnomAD v4.1: 2,533 of 1,613,860 alleles (0.16%); highest among the groups gnomAD compares: South Asian, 2.6%; 60 homozygotes.

Submissions (3):

Labcorp Genetics (formerly Invitae), Labcorp
Classification: Benign. Last evaluated: 2026-01-06. Review status: criteria provided, single submitter. Criteria: Invitae Variant Classification Sherloc (09022015). Collection method: clinical testing. Allele origin: germline.

Illumina Laboratory Services, Illumina
Classification: Benign for Meier-Gorlin syndrome 5. Last evaluated: 2018-01-12. Review status: criteria provided, single submitter. Criteria: ICSL Variant Classification Criteria 13 December 2019. Collection method: clinical testing. Allele origin: germline.
Comment: This variant was observed in the ICSL laboratory as part of a predisposition screen in an ostensibly healthy population. It had not been previously curated by ICSL or reported in the Human Gene Mutation Database (HGMD: prior to June 1st, 2018), and was therefore a candidate for classification through an automated scoring system. Utilizing variant allele frequency, disease prevalence and penetrance estimates, and inheritance mode, an automated score was calculated to assess if this variant is too frequent to cause the disease. Based on the score and internal cut-off values, a variant classified as benign is not then subjected to further curation. The score for this variant resulted in a classification of benign for this disease.

Breakthrough Genomics
Classification: Benign. Review status: criteria provided, single submitter. Criteria: ACMG Guidelines, 2015. Collection method: not provided. Allele origin: germline. Inheritance: Autosomal recessive inheritance. Affected: yes.

NM_001254.4(CDC6):c.1512A>G (p.Ser504=)

Gene: CDC6 (cell division cycle 6; plus strand). Cytogenetic location: 17q21.2.
Variant type: single nucleotide variant.
Coding change: c.1512A>G on transcript NM_001254.4 (MANE Select); coding-DNA position 1512, A replaced by G.
Protein change: p.Ser504=; no amino-acid change (serine 504 retained).
Molecular consequence: synonymous variant.
Genome position (GRCh38, 1-based): chr17:40,301,527, A>G. VCF-style: chr17-40301527-A-G. GRCh37 (hg19) VCF-style: chr17-38457779-A-G.
Identifiers: ClinVar variation 323059 (VCV000323059.16), dbSNP rs4135031, ClinGen allele CA8542161.